The following is an entry in ClinVar:

NM_000053.4(ATP7B):c.595G>T (p.Asp199Tyr)

Gene: ATP7B (ATPase copper transporting beta; minus strand). Cytogenetic location: 13q14.3.
Variant type: single nucleotide variant.
Coding change: c.595G>T on transcript NM_000053.4 (MANE Select); coding-DNA position 595, G replaced by T.
Protein change: p.Asp199Tyr; replaces aspartic acid 199 with tyrosine.
Molecular consequence: missense variant.
Genome position (GRCh38, 1-based): chr13:51,974,625, C>A on the plus strand (G>T on the coding strand, the complement: ATP7B is on the minus strand). VCF-style: chr13-51974625-C-A. GRCh37 (hg19) VCF-style: chr13-52548761-C-A.
Other names: c.595G>T, p.Asp199Tyr (NM_001406513.1, NM_001406514.1, NM_001406515.1 and 30 more transcripts); c.499G>T, p.Asp167Tyr (NM_001406517.1, NM_001406530.1, NM_001406536.1 and 4 more transcripts); short protein forms D199Y, D167Y.
Identifiers: ClinVar variation 2191694 (VCV002191694.3), dbSNP rs1419767930, ClinGen allele CA388042451.

ClinVar aggregate classification (germline): Uncertain significance. Review status: criteria provided, multiple submitters, no conflicts (2 of 4 stars). 2 submissions from 2 submitters: Uncertain significance (2). Last evaluated 2025-11-10.

Conditions:
Wilson disease (WND). Also called: Wilson's disease. Identifiers: Orphanet 905, MedGen C0019202, MONDO:0010200, OMIM 277900. Disease mechanism: loss of function.

Allele frequency attached by ClinVar (database versions not stated): gnomAD exomes 0.00001; TOPMed 0.00001; gnomAD 0.00002.
gnomAD v4.1: 12 of 1,612,720 alleles (0.00074%); highest among the groups gnomAD compares: South Asian, 0.0011%; no homozygotes.

Submissions (2):

Labcorp Genetics (formerly Invitae), Labcorp
Classification: Uncertain significance for Wilson disease. Last evaluated: 2025-11-10. Review status: criteria provided, single submitter. Criteria: Invitae Variant Classification Sherloc (09022015). Collection method: clinical testing. Allele origin: germline.
Comment: This sequence change replaces aspartic acid, which is acidic and polar, with tyrosine, which is neutral and polar, at codon 199 of the ATP7B protein (p.Asp199Tyr). This variant is not present in population databases (gnomAD no frequency). This variant has not been reported in the literature in individuals affected with ATP7B-related conditions. ClinVar contains an entry for this variant (Variation ID: 2191694). Invitae Evidence Modeling of protein sequence and biophysical properties (such as structural, functional, and spatial information, amino acid conservation, physicochemical variation, residue mobility, and thermodynamic stability) indicates that this missense variant is expected to disrupt ATP7B protein function with a positive predictive value of 80%. In summary, the available evidence is currently insufficient to determine the role of this variant in disease. Therefore, it has been classified as a Variant of Uncertain Significance.

Color Diagnostics, LLC DBA Color Health
Classification: Uncertain significance for Wilson disease. Last evaluated: 2023-01-25. Review status: criteria provided, single submitter. Criteria: ACMG Guidelines, 2015. Collection method: clinical testing. Allele origin: germline.
Comment: This missense variant replaces aspartic acid with tyrosine at codon 199 of the ATP7B protein. Computational prediction is inconclusive regarding the impact of this variant on protein structure and function. To our knowledge, functional studies have not been reported for this variant. This variant has not been reported in individuals affected with ATP7B-related disorders in the literature. This variant has not been identified in the general population by the Genome Aggregation Database (gnomAD). The available evidence is insufficient to determine the role of this variant in disease conclusively. Therefore, this variant is classified as a Variant of Uncertain Significance.